The following is an entry in ClinVar:

ClinVar aggregate classification (germline): Uncertain significance (1 of 4 stars; one submission).

Submission:

Labcorp Genetics (formerly Invitae), Labcorp
Classification: Uncertain significance. Last evaluated: 2022-03-01. Review status: criteria provided, single submitter. Criteria: Invitae Variant Classification Sherloc (09022015). Collection method: clinical testing. Allele origin: germline.
Comment: In summary, the available evidence is currently insufficient to determine the role of this variant in disease. Therefore, it has been classified as a Variant of Uncertain Significance. Algorithms developed to predict the effect of missense changes on protein structure and function (SIFT, PolyPhen-2, Align-GVGD) all suggest that this variant is likely to be tolerated. This variant has not been reported in the literature in individuals affected with ITPR1-related conditions. This variant is not present in population databases (gnomAD no frequency). This sequence change replaces valine, which is neutral and non-polar, with isoleucine, which is neutral and non-polar, at codon 2293 of the ITPR1 protein (p.Val2293Ile).

NM_001378452.1(ITPR1):c.7066G>A (p.Val2356Ile)

Gene: ITPR1 (inositol 1,4,5-trisphosphate receptor type 1; plus strand). Cytogenetic location: 3p26.1.
Variant type: single nucleotide variant.
Coding change: c.7066G>A on transcript NM_001378452.1 (MANE Select); coding-DNA position 7066, G replaced by A.
Protein change: p.Val2356Ile; replaces valine 2356 with isoleucine.
Molecular consequence: missense variant.
Genome position (GRCh38, 1-based): chr3:4,800,559, G>A. VCF-style: chr3-4800559-G-A. GRCh37 (hg19) VCF-style: chr3-4842243-G-A.
Other names: c.6922G>A, p.Val2308Ile (NM_001099952.4); c.7021G>A, p.Val2341Ile (NM_001168272.2); c.6877G>A, p.Val2293Ile (NM_002222.7); short protein forms V2293I, V2308I, V2341I, V2356I.
Identifiers: ClinVar variation 2105312 (VCV002105312.4), dbSNP rs2470134023, ClinGen allele CA351643889.